The following is an entry in ClinVar:

ClinVar aggregate classification (germline): Uncertain significance (1 of 4 stars; one submission).

Conditions:
Perlman syndrome (PRLMNS). Identifiers: Orphanet 2849, MedGen C0796113, MONDO:0009965, OMIM 267000.

Submission:

Labcorp Genetics (formerly Invitae), Labcorp
Classification: Uncertain significance for Perlman syndrome. Last evaluated: 2024-01-06. Review status: criteria provided, single submitter. Criteria: Invitae Variant Classification Sherloc (09022015). Collection method: clinical testing. Allele origin: unknown.
Comment: This variant results in a copy number gain of the genomic region encompassing exon(s) 15-21 of the DIS3L2 gene. This region includes the termination codon of the gene. This copy number gain extends beyond the assayed region for this gene and therefore may encompass additional genes. As the precise location of this event is unknown, it may be in tandem or it may be located elsewhere in the genome. This variant has not been reported in the literature in individuals affected with DIS3L2-related conditions. In summary, the available evidence is currently insufficient to determine the role of this variant in disease. Therefore, it has been classified as a Variant of Uncertain Significance.

NC_000002.11:g.(?_233194503)_(233201340_?)dup

Gene: DIS3L2 (DIS3 like 3'-5' exoribonuclease 2; plus strand). Cytogenetic location: 2q37.1.
Variant type: Duplication.
Identifiers: ClinVar variation 3247216 (VCV003247216.1).